The following is an entry in ClinVar:

ClinVar aggregate classification (germline): Uncertain significance (1 of 4 stars; one submission).

Conditions:
Dilated cardiomyopathy 1G (CMD1G). Identifiers: Orphanet 154, MedGen C1858763, MONDO:0011400, OMIM 604145.
Autosomal recessive limb-girdle muscular dystrophy type 2J (LGMDR10). Also called: Limb-girdle muscular dystrophy, type 2J; MUSCULAR DYSTROPHY, LIMB-GIRDLE, AUTOSOMAL RECESSIVE 10. Identifiers: Orphanet 140922, MedGen C1837342, MONDO:0012127, OMIM 608807.

Allele frequency attached by ClinVar (database versions not stated): gnomAD exomes below 0.00001 and 0.00001; TOPMed below 0.00001; gnomAD 0.00001.

Submission:

Labcorp Genetics (formerly Invitae), Labcorp
Classification: Uncertain significance for Dilated cardiomyopathy 1G; Autosomal recessive limb-girdle muscular dystrophy type 2J. Last evaluated: 2022-06-04. Review status: criteria provided, single submitter. Criteria: Invitae Variant Classification Sherloc (09022015). Collection method: clinical testing. Allele origin: germline.
Comment: This sequence change falls in intron 268 of the TTN gene. It does not directly change the encoded amino acid sequence of the TTN protein. It affects a nucleotide within the consensus splice site. This variant is present in population databases (no rsID available, gnomAD 0.0009%). This variant has been observed in individuals with dilated cardiomyopathy (Invitae). ClinVar contains an entry for this variant (Variation ID: 404794). Variants that disrupt the consensus splice site are a relatively common cause of aberrant splicing (PMID: 17576681, 9536098). Algorithms developed to predict the effect of sequence changes on RNA splicing suggest that this variant may create or strengthen a splice site. In summary, the available evidence is currently insufficient to determine the role of this variant in disease. Therefore, it has been classified as a Variant of Uncertain Significance. This variant is located in the A band of TTN (PMID: 25589632). Variants in this region may be relevant for cardiac or neuromuscular disorders (PMID: 25589632, 23975875).

Literature cited by the submitters: PubMed 17576681; PubMed 9536098; PubMed 25589632; PubMed 23975875.

NM_001267550.2(TTN):c.50549_50551+5dup

Genes: TTN (titin; minus strand), TTN-AS1 (TTN antisense RNA 1; plus strand). Cytogenetic location: 2q31.2.
Variant type: Duplication.
Coding change: c.50549_50551+5dup on transcript NM_001267550.2 (MANE Select); coding-DNA position 50549 through 5 bases into the intron after coding-DNA position 50551, 8 bases duplicated (CAAGTAAG; older notation c.50549_50551+5dupCAAGTAAG).
Molecular consequence: splice donor variant.
Genome position (GRCh38, 1-based): chr2:178,611,753-178,611,760, CTTACTTG duplicated on the plus strand (CAAGTAAG on the coding strand, the reverse complement: TTN is on the minus strand). VCF-style (leftmost placement, unchanged base first): chr2-178611752-A-ACTTACTTG. GRCh37 (hg19) VCF-style: chr2-179476479-A-ACTTACTTG.
Other names: c.50549_50551+5dupCAAGTAAG (NM_001267550.2); c.23354_23356+5dup (NM_003319.4); c.23930_23932+5dup (NM_133437.4); c.23729_23731+5dup (NM_133432.3); c.42845_42847+5dup (NM_133378.4); c.45626_45628+5dup (NM_001256850.1).
Identifiers: ClinVar variation 404794 (VCV000404794.12), dbSNP rs1060500453, ClinGen allele CA16610481.